The following is an entry in ClinVar:

ClinVar aggregate classification (germline): Likely benign (0 of 4 stars; one submission).

Conditions:
STIL-related disorder. Also called: STIL-related condition.

gnomAD v4.1: 62 of 1,613,988 alleles (0.0038%); highest among the groups gnomAD compares: Non-Finnish European, 0.0049%; no homozygotes.

Submission:

PreventionGenetics, part of Exact Sciences
Classification: Likely benign for STIL-related condition. Last evaluated: 2019-06-11. Review status: no assertion criteria provided. Collection method: clinical testing. Allele origin: germline.
Comment: This variant is classified as likely benign based on ACMG/AMP sequence variant interpretation guidelines (Richards et al. 2015 PMID: 25741868, with internal and published modifications).

NM_001048166.1(STIL):c.216T>C (p.Asn72=)

Gene: STIL (STIL centriolar assembly protein; minus strand). Cytogenetic location: 1p33.
Variant type: single nucleotide variant.
Coding change: c.216T>C on transcript NM_001048166.1 (MANE Select); coding-DNA position 216, T replaced by C.
Protein change: p.Asn72=; no amino-acid change (asparagine 72 retained).
Molecular consequence: synonymous variant.
Genome position (GRCh38, 1-based): chr1:47,302,283, A>G on the plus strand (T>C on the coding strand, the complement: STIL is on the minus strand). VCF-style: chr1-47302283-A-G. GRCh37 (hg19) VCF-style: chr1-47767955-A-G.
Other names: c.216T>C, p.Asn72= (NM_001282936.1, NM_001282937.1, NM_001282938.1 and 3 more transcripts).
Identifiers: ClinVar variation 3352130 (VCV003352130.1).